The following is an entry in ClinVar:

ClinVar aggregate classification (germline): Uncertain significance (1 of 4 stars; one submission).

Conditions:
USP9X-related disorder. Also called: USP9X-related condition.

Submission:

PreventionGenetics, part of Exact Sciences
Classification: Uncertain significance for USP9X-related condition. Last evaluated: 2025-06-20. Review status: criteria provided, single submitter. Criteria: ACMG Guidelines, 2015. Collection method: clinical testing. Allele origin: germline.
Comment: The USP9X c.1894A>G variant is predicted to result in the amino acid substitution p.Arg632Gly. To our knowledge, this variant has not been reported in the literature or in a large population database (gnomAD), indicating this variant is rare. At this time, the clinical significance of this variant is uncertain due to the absence of conclusive functional and genetic evidence.

NM_001039591.3(USP9X):c.1894A>G (p.Arg632Gly)

Gene: USP9X (ubiquitin specific peptidase 9 X-linked; plus strand). Cytogenetic location: Xp11.4.
Variant type: single nucleotide variant.
Coding change: c.1894A>G on transcript NM_001039591.3 (MANE Select); coding-DNA position 1894, A replaced by G.
Protein change: p.Arg632Gly; replaces arginine 632 with glycine.
Molecular consequence: missense variant.
Genome position (GRCh38, 1-based): chrX:41,153,078, A>G. VCF-style: chrX-41153078-A-G. GRCh37 (hg19) VCF-style: chrX-41012331-A-G.
Other names: c.1894A>G, p.Arg632Gly (NM_001039590.3); c.1909A>G, p.Arg637Gly (NM_001410748.1, NM_001410749.1, NM_001437534.1); short protein forms R637G, R632G.
Identifiers: ClinVar variation 4997976 (VCV004997976.1).
Genomic context (GRCh38, chrX:41,153,078, plus strand): 5'-CTAGTTACTTTGGTAGCAGAAAACCTTGCAACTTACATGGAAAGCATGAGACTATATGCT[A>G]GAGGTATGTATTGTAAGCTAAAATAAACTATGGGAAATAGCAGGGACCTTTTTTTGCATT-3'
Protein context (NP_001034680.2, residues 622-642): TYMESMRLYA[Arg632Gly]DHEDYDPQTV